The following is an entry in ClinVar:

ClinVar aggregate classification (germline): Uncertain significance (1 of 4 stars; one submission).

Allele frequency attached by ClinVar (database versions not stated): gnomAD exomes below 0.00001.
gnomAD v4.1: 2 of 1,541,590 alleles (0.00013%); highest among the groups gnomAD compares: Non-Finnish European, 0.00018%; no homozygotes.

Submission:

Labcorp Genetics (formerly Invitae), Labcorp
Classification: Uncertain significance. Last evaluated: 2022-10-13. Review status: criteria provided, single submitter. Criteria: Invitae Variant Classification Sherloc (09022015). Collection method: clinical testing. Allele origin: germline.
Comment: In summary, the available evidence is currently insufficient to determine the role of this variant in disease. Therefore, it has been classified as a Variant of Uncertain Significance. Algorithms developed to predict the effect of missense changes on protein structure and function are either unavailable or do not agree on the potential impact of this missense change (SIFT: "Tolerated"; PolyPhen-2: "Possibly Damaging"; Align-GVGD: "Class C0"). ClinVar contains an entry for this variant (Variation ID: 1399476). This variant has not been reported in the literature in individuals affected with PEX3-related conditions. This variant is not present in population databases (gnomAD no frequency). This sequence change replaces alanine, which is neutral and non-polar, with serine, which is neutral and polar, at codon 250 of the PEX3 protein (p.Ala250Ser).

NM_003630.3(PEX3):c.748G>T (p.Ala250Ser)

Gene: PEX3 (peroxisomal biogenesis factor 3; plus strand). Cytogenetic location: 6q24.2.
Variant type: single nucleotide variant.
Coding change: c.748G>T on transcript NM_003630.3 (MANE Select); coding-DNA position 748, G replaced by T.
Protein change: p.Ala250Ser; replaces alanine 250 with serine.
Molecular consequence: missense variant.
Genome position (GRCh38, 1-based): chr6:143,474,786, G>T. VCF-style: chr6-143474786-G-T. GRCh37 (hg19) VCF-style: chr6-143795923-G-T.
Other names: short protein forms A250S.
Identifiers: ClinVar variation 1399476 (VCV001399476.8), dbSNP rs2128747098, ClinGen allele CA365913017.